The following is an entry in ClinVar:

NM_001903.5(CTNNA1):c.1143+5T>C

Gene: CTNNA1 (catenin alpha 1; plus strand). Cytogenetic location: 5q31.2.
Variant type: single nucleotide variant.
Coding change: c.1143+5T>C on transcript NM_001903.5 (MANE Select); 5 bases into the intron after coding-DNA position 1143, T replaced by C.
Molecular consequence: intron variant.
Genome position (GRCh38, 1-based): chr5:138,886,297, T>C. VCF-style: chr5-138886297-T-C. GRCh37 (hg19) VCF-style: chr5-138221986-T-C.
Other names: c.1143+5T>C (NM_001323982.2, NM_001323984.2, NM_001290307.3 and 4 more transcripts); c.774+5T>C (NM_001290310.3); c.834+5T>C (NM_001290309.3); c.33+5T>C (NM_001323996.1, NM_001323993.1, NM_001324005.1 and 18 more transcripts); c.-365+5T>C (NM_001324007.1, NM_001324009.1, NM_001324006.1 and 1 more transcripts); c.-240+5T>C (NM_001324013.1); c.-58+10700T>C (NM_001324012.1); c.-61+10700T>C (NM_001324010.1).
Identifiers: ClinVar variation 664778 (VCV000664778.18), dbSNP rs766106863, ClinGen allele CA3431864.

ClinVar aggregate classification (germline): Conflicting classifications of pathogenicity. Review status: criteria provided, conflicting classifications (1 of 4 stars). 7 submissions from 7 submitters: Uncertain significance (1); Benign (1); Likely benign (5). Last evaluated 2025-12-17.

Conditions:
Hereditary cancer-predisposing syndrome. Also called: Tumor predisposition; Hereditary neoplastic syndrome; Hereditary Cancer Syndrome; Neoplastic Syndromes, Hereditary. Identifiers: Orphanet 140162, MedGen C0027672, MeSH D009386, MONDO:0015356.
Patterned macular dystrophy 2. Identifiers: Orphanet 99001, MedGen C1837029, MONDO:0012162, OMIM 608970.
CTNNA1-related disorder. Also called: CTNNA1-related condition.

Allele frequency attached by ClinVar (database versions not stated): gnomAD exomes 0.00011 and 0.00007; gnomAD 0.00002 and 0.00003; TOPMed 0.00003; ExAC 0.00007.
gnomAD v4.1: 110 of 1,592,962 alleles (0.0069%); highest among the groups gnomAD compares: Middle Eastern, 0.083%; 1 homozygote.

Submissions (7):

Labcorp Genetics (formerly Invitae), Labcorp
Classification: Likely benign. Last evaluated: 2025-12-17. Review status: criteria provided, single submitter. Criteria: Invitae Variant Classification Sherloc (09022015). Collection method: clinical testing. Allele origin: germline.

Mayo Clinic Laboratories, Mayo Clinic
Classification: Uncertain significance. Last evaluated: 2025-03-11. Review status: criteria provided, single submitter. Criteria: ACMG Guidelines, 2015. Collection method: clinical testing. Allele origin: germline. Observed: 1 variant allele.
Comment: BP4

Center for Genomic Medicine, Rigshospitalet, Copenhagen University Hospital
Classification: Likely benign. Last evaluated: 2025-03-04. Review status: criteria provided, single submitter. Criteria: ACMG Guidelines, 2015. Collection method: clinical testing. Allele origin: germline.

Blueprint Genetics
Classification: Likely benign. Last evaluated: 2024-11-14. Review status: criteria provided, single submitter. Criteria: ACMG Guidelines, 2015. Collection method: clinical testing. Allele origin: germline.

PreventionGenetics, part of Exact Sciences
Classification: Likely benign for CTNNA1-related condition. Last evaluated: 2024-10-25. Review status: criteria provided, single submitter. Criteria: ACMG Guidelines, 2015. Collection method: clinical testing. Allele origin: germline.
Comment: This variant is classified as likely benign based on ACMG/AMP sequence variant interpretation guidelines (Richards et al. 2015 PMID: 25741868, with internal and published modifications).

Department of Pathology and Laboratory Medicine, Sinai Health System
Classification: Likely benign for Patterned macular dystrophy 2. Last evaluated: 2024-02-29. Review status: criteria provided, single submitter. Criteria: ACMG Guidelines, 2015. Collection method: clinical testing. Allele origin: germline. Affected: yes.

Ambry Genetics
Classification: Benign for Hereditary cancer-predisposing syndrome. Last evaluated: 2023-05-25. Review status: criteria provided, single submitter. Criteria: Ambry Variant Classification Scheme 2023. Collection method: clinical testing. Allele origin: germline.